The following is an entry in ClinVar:

NM_001458.5(FLNC):c.5941A>G (p.Ile1981Val)

Genes: FLNC (filamin C; plus strand), FLNC-AS1 (FLNC antisense RNA 1; minus strand). Cytogenetic location: 7q32.1.
Variant type: single nucleotide variant.
Coding change: c.5941A>G on transcript NM_001458.5 (MANE Select); coding-DNA position 5941, A replaced by G.
Protein change: p.Ile1981Val; replaces isoleucine 1981 with valine.
Molecular consequence: missense variant.
Genome position (GRCh38, 1-based): chr7:128,852,689, A>G. VCF-style: chr7-128852689-A-G. GRCh37 (hg19) VCF-style: chr7-128492743-A-G.
Other names: c.5842A>G, p.Ile1948Val (NM_001127487.2); short protein forms I1948V, I1981V.
Identifiers: ClinVar variation 1019619 (VCV001019619.10), dbSNP rs1808870602, ClinGen allele CA369209256.

ClinVar aggregate classification (germline): Uncertain significance. Review status: criteria provided, multiple submitters, no conflicts (2 of 4 stars). 2 submissions from 2 submitters: Uncertain significance (2). Last evaluated 2025-08-17.

Conditions:
Myofibrillar myopathy 5. Also called: Filaminopathy (type); FILAMINOPATHY, AUTOSOMAL DOMINANT. Identifiers: Orphanet 171445, MedGen C1836050, MONDO:0012289, OMIM 609524.
Distal myopathy with posterior leg and anterior hand involvement. Also called: WILLIAMS DISTAL MYOPATHY. Identifiers: Orphanet 63273, MedGen C3279722, MONDO:0013550, OMIM 614065.
Hypertrophic cardiomyopathy 26. Also called: Cardiomyopathy, familial hypertrophic, 26. Identifiers: Orphanet 75249, MedGen C4310749, MONDO:0014883, OMIM 617047.

Allele frequency attached by ClinVar (database versions not stated): gnomAD exomes below 0.00001; TOPMed 0.00001.
gnomAD v4.1: 1 of 1,613,282 alleles (0.000062%); highest among the groups gnomAD compares: African/African-American, 0.0013%; no homozygotes.

Submissions (2):

Labcorp Genetics (formerly Invitae), Labcorp
Classification: Uncertain significance for Distal myopathy with posterior leg and anterior hand involvement; Myofibrillar myopathy 5; Hypertrophic cardiomyopathy 26. Last evaluated: 2025-08-17. Review status: criteria provided, single submitter. Criteria: Invitae Variant Classification Sherloc (09022015). Collection method: clinical testing. Allele origin: germline.
Comment: This sequence change replaces isoleucine, which is neutral and non-polar, with valine, which is neutral and non-polar, at codon 1981 of the FLNC protein (p.Ile1981Val). This variant is not present in population databases (gnomAD no frequency). This variant has not been reported in the literature in individuals affected with FLNC-related conditions. ClinVar contains an entry for this variant (Variation ID: 1019619). Invitae Evidence Modeling of protein sequence and biophysical properties (such as structural, functional, and spatial information, amino acid conservation, physicochemical variation, residue mobility, and thermodynamic stability) has been performed for this missense variant. However, the output from this modeling did not meet the statistical confidence thresholds required to predict the impact of this variant on FLNC protein function. In summary, the available evidence is currently insufficient to determine the role of this variant in disease. Therefore, it has been classified as a Variant of Uncertain Significance.

Blueprint Genetics
Classification: Uncertain significance. Last evaluated: 2023-09-04. Review status: criteria provided, single submitter. Criteria: ACMG Guidelines, 2015. Collection method: clinical testing. Allele origin: germline.